The following is an entry in ClinVar:

ClinVar aggregate classification (germline): Pathogenic (1 of 4 stars; one submission).

Conditions:
Schimke immuno-osseous dysplasia (SIOD). Also called: Schimke Immunoosseous Dysplasia. Identifiers: Orphanet 1830, MedGen C0877024, MONDO:0009458, OMIM 242900.

Submission:

Labcorp Genetics (formerly Invitae), Labcorp
Classification: Pathogenic for Schimke immuno-osseous dysplasia. Last evaluated: 2023-01-28. Review status: criteria provided, single submitter. Criteria: Invitae Variant Classification Sherloc (09022015). Collection method: clinical testing. Allele origin: germline.
Comment: This sequence change creates a premature translational stop signal (p.Asp649Phefs*11) in the SMARCAL1 gene. It is expected to result in an absent or disrupted protein product. Loss-of-function variants in SMARCAL1 are known to be pathogenic (PMID: 11799392, 20301550). This variant is not present in population databases (gnomAD no frequency). This variant has not been reported in the literature in individuals affected with SMARCAL1-related conditions. For these reasons, this variant has been classified as Pathogenic.

Literature cited by the submitters: PubMed 11799392; PubMed 20301550.

NM_014140.4(SMARCAL1):c.1945_1951del (p.Asp649fs)

Gene: SMARCAL1 (SNF2 related chromatin remodeling annealing helicase 1; plus strand). Cytogenetic location: 2q35.
Variant type: Deletion.
Coding change: c.1945_1951del on transcript NM_014140.4 (MANE Select); coding-DNA positions 1945 to 1951, 7 bases deleted (GACGTCC; older notation c.1945_1951delGACGTCC).
Protein change: p.Asp649fs; shifts the reading frame from aspartic acid 649.
Molecular consequence: frameshift variant.
Genome position (GRCh38, 1-based): chr2:216,450,939-216,450,945, GACGTCC deleted; deleting any 7 consecutive bases within chr2:216,450,935-216,450,945 gives the same sequence; the c. name uses the placement nearest the transcript's 3' end. VCF-style (leftmost placement, unchanged base first): chr2-216450934-AGTCCGAC-A. GRCh37 (hg19) VCF-style: chr2-217315657-AGTCCGAC-A.
Other names: c.1945_1951del, p.Asp649fs (NM_001127207.2); short protein forms D649fs.
Identifiers: ClinVar variation 2832407 (VCV002832407.3), dbSNP rs2469017057, ClinGen allele CA2739277901.
Genomic context (GRCh38, chr2:216,450,934, plus strand): 5'-CCTCCAACCTGGGAGAGCTGAAGCTCCTGCTGGAGGAAGCAGTCATGCTGCGGCGCCTCA[AGTCCGAC>A]GTCCTTTCCCAGCTGCCTGCCAAGCAGCGCAAGATAGTGGTGATTGCCCCAGGACGGATC-3'